The following is an entry in ClinVar:

ClinVar aggregate classification (germline): Uncertain significance (1 of 4 stars; one submission).

gnomAD v4.1: 6 of 1,614,000 alleles (0.00037%); highest among the groups gnomAD compares: Non-Finnish European, 0.00042%; no homozygotes.

Submission:

CeGaT Center for Human Genetics Tuebingen
Classification: Uncertain significance. Last evaluated: 2022-06-01. Review status: criteria provided, single submitter. Criteria: CeGaT Center For Human Genetics Tuebingen Variant Classification Criteria Version 2. Collection method: clinical testing. Allele origin: germline. Affected: yes. Observed: 1 variant allele.
Comment: ASXL3: PM2, BP4

NM_030632.3(ASXL3):c.5743A>C (p.Lys1915Gln)

Gene: ASXL3 (ASXL transcriptional regulator 3; plus strand). Cytogenetic location: 18q12.1.
Variant type: single nucleotide variant.
Coding change: c.5743A>C on transcript NM_030632.3 (MANE Select); coding-DNA position 5743, A replaced by C.
Protein change: p.Lys1915Gln; replaces lysine 1915 with glutamine.
Molecular consequence: missense variant.
Genome position (GRCh38, 1-based): chr18:33,745,591, A>C. VCF-style: chr18-33745591-A-C. GRCh37 (hg19) VCF-style: chr18-31325555-A-C.
Other names: short protein forms K1915Q.
Identifiers: ClinVar variation 2648662 (VCV002648662.24), dbSNP rs2510932718, ClinGen allele CA402195394.